The following is an entry in ClinVar:

NM_016734.3(PAX5):c.374A>G (p.Asp125Gly)

Gene: PAX5 (paired box 5; minus strand). Cytogenetic location: 9p13.2.
Variant type: single nucleotide variant.
Coding change: c.374A>G on transcript NM_016734.3 (MANE Select); coding-DNA position 374, A replaced by G.
Protein change: p.Asp125Gly; replaces aspartic acid 125 with glycine.
Molecular consequence: missense variant. On other transcripts: non-coding transcript variant (2), intron variant (1).
Genome position (GRCh38, 1-based): chr9:37,015,033, T>C on the plus strand (A>G on the coding strand, the complement: PAX5 is on the minus strand). VCF-style: chr9-37015033-T-C. GRCh37 (hg19) VCF-style: chr9-37015030-T-C.
Other names: c.50A>G, p.Asp17Gly (NM_001280556.2, NM_001280551.2); c.212+5603A>G (NM_001280555.2); c.374A>G, p.Asp125Gly (NM_001280547.2, NM_001280548.2, NM_001280549.2 and 4 more transcripts); short protein forms D17G, D125G.
Identifiers: ClinVar variation 5026292 (VCV005026292.1).

ClinVar aggregate classification (germline): Uncertain significance (1 of 4 stars; one submission).

Conditions:
Inborn genetic diseases. Identifiers: MedGen C0950123, MeSH D030342.

Submission:

Ambry Genetics
Classification: Uncertain significance for Inborn genetic diseases. Last evaluated: 2026-06-26. Review status: criteria provided, single submitter. Criteria: Ambry Variant Classification Scheme 2023. Collection method: clinical testing. Allele origin: germline.
Comment: The p.D125G variant (also known as c.374A>G), located in coding exon 3 of the PAX5 gene, results from an A to G substitution at nucleotide position 374. The aspartic acid at codon 125 is replaced by glycine, an amino acid with similar properties. This amino acid position is conserved. In addition, this alteration is predicted to be deleterious by in silico analysis. Based on the available evidence, the clinical significance of this variant remains unclear.